The following is an entry in ClinVar:

ClinVar aggregate classification (germline): Uncertain significance (1 of 4 stars; one submission).

Submission:

Ambry Genetics
Classification: Uncertain significance. Last evaluated: 2023-11-27. Review status: criteria provided, single submitter. Criteria: Ambry Variant Classification Scheme 2023. Collection method: clinical testing. Allele origin: germline.
Comment: The p.A1693G variant (also known as c.5078C>G), located in coding exon 4 of the ALPK2 gene, results from a C to G substitution at nucleotide position 5078. The alanine at codon 1693 is replaced by glycine, an amino acid with similar properties. This amino acid position is conserved. In addition, this alteration is predicted to be tolerated by in silico analysis. Since supporting evidence is limited at this time, the clinical significance of this alteration remains unclear.

NM_052947.4(ALPK2):c.5078C>G (p.Ala1693Gly)

Genes: ALPK2 (alpha kinase 2; minus strand), LOC130062577 (ATAC-STARR-seq lymphoblastoid active region 13389; plus strand). Cytogenetic location: 18q21.31.
Variant type: single nucleotide variant.
Coding change: c.5078C>G on transcript NM_052947.4 (MANE Select); coding-DNA position 5078, C replaced by G.
Protein change: p.Ala1693Gly; replaces alanine 1693 with glycine.
Molecular consequence: missense variant.
Genome position (GRCh38, 1-based): chr18:58,535,109, G>C on the plus strand (C>G on the coding strand, the complement: ALPK2 is on the minus strand). VCF-style: chr18-58535109-G-C. GRCh37 (hg19) VCF-style: chr18-56202341-G-C.
Other names: short protein forms A1693G.
Identifiers: ClinVar variation 3228783 (VCV003228783.1), dbSNP rs773465818, ClinGen allele CA402558356.